The following is an entry in ClinVar:

NM_000391.3(TPP1):c.-238T>C

Gene: TPP1 (tripeptidyl peptidase 1; minus strand). Cytogenetic location: 11p15.4.
Variant type: single nucleotide variant.
Coding change: c.-238T>C on transcript NM_000391.3; 238 bases upstream of the start codon, T replaced by C.
Genome position (GRCh38, 1-based): chr11:6,619,638, A>G on the plus strand (T>C on the coding strand, the complement: TPP1 is on the minus strand). VCF-style: chr11-6619638-A-G. GRCh37 (hg19) VCF-style: chr11-6640869-A-G.
Identifiers: ClinVar variation 670246 (VCV000670246.4), dbSNP rs1800752, ClinGen allele CA13477086.

ClinVar aggregate classification (germline): Benign. Review status: criteria provided, multiple submitters, no conflicts (2 of 4 stars). 2 submissions from 2 submitters: Benign (2). Last evaluated 2018-06-14.

Allele frequency attached by ClinVar (database versions not stated): 1000 Genomes Project 0.35343; 1000 Genomes Project 30x 0.34853; gnomAD exomes 0.38567; TOPMed 0.34634; gnomAD 0.34997 and 0.35334.

Submissions (2):

GeneDx
Classification: Benign. Last evaluated: 2018-06-14. Review status: criteria provided, single submitter. Criteria: GeneDx Variant Classification (06012015). Collection method: clinical testing. Allele origin: germline. Affected: yes.
Comment: This variant is considered likely benign or benign based on one or more of the following criteria: it is a conservative change, it occurs at a poorly conserved position in the protein, it is predicted to be benign by multiple in silico algorithms, and/or has population frequency not consistent with disease.

Breakthrough Genomics
Classification: Benign. Review status: criteria provided, single submitter. Criteria: ACMG Guidelines, 2015. Collection method: not provided. Allele origin: germline. Inheritance: Autosomal recessive inheritance. Affected: yes.